The following is an entry in ClinVar:

ClinVar aggregate classification (germline): Uncertain significance (1 of 4 stars; one submission).

Conditions:
PKD1L1-related disorder. Also called: PKD1L1-related condition.

gnomAD v4.1: 1 of 1,614,022 alleles (0.000062%); no homozygotes.

Submission:

PreventionGenetics, part of Exact Sciences
Classification: Uncertain significance for PKD1L1-related condition. Last evaluated: 2026-05-28. Review status: criteria provided, single submitter. Criteria: ACMG Guidelines, 2015. Collection method: clinical testing. Allele origin: germline.
Comment: The PKD1L1 c.7108A>G variant is predicted to result in the amino acid substitution p.Lys2370Glu. To our knowledge, this variant has not been reported in the literature or in a large population database (gnomAD), indicating this variant is rare. At this time, the clinical significance of this variant is uncertain due to the absence of conclusive functional and genetic evidence.

NM_138295.5(PKD1L1):c.7108A>G (p.Lys2370Glu)

Genes: PKD1L1 (polycystin 1 like 1, transient receptor potential channel interacting; minus strand), PKD1L1-AS1 (PKD1L1 antisense RNA 1; plus strand). Cytogenetic location: 7p12.3.
Variant type: single nucleotide variant.
Coding change: c.7108A>G on transcript NM_138295.5 (MANE Select); coding-DNA position 7108, A replaced by G.
Protein change: p.Lys2370Glu; replaces lysine 2370 with glutamic acid.
Molecular consequence: missense variant.
Genome position (GRCh38, 1-based): chr7:47,813,996, T>C on the plus strand (A>G on the coding strand, the complement: PKD1L1 is on the minus strand). VCF-style: chr7-47813996-T-C. GRCh37 (hg19) VCF-style: chr7-47853594-T-C.
Other names: short protein forms K2370E.
Identifiers: ClinVar variation 5002027 (VCV005002027.1).
Genomic context (GRCh38, chr7:47,813,996, plus strand): 5'-ATAAATGCCTAGGAAAAACTTTTAGCTGCCTAATTACGGAACTGCCTATTAGGTAGCATT[T>C]TCCTCCAAGAGCTCCAGGCTGAAAGGAGAAAAAAGATGATGAGGACTGGGTGTGCTGTGG-3'
Protein context (NP_612152.1, residues 2360-2380): PGAQPGALGG[Lys2370Glu]CYLIGSSVIR